The following is an entry in ClinVar:

ClinVar aggregate classification (germline): Pathogenic (1 of 4 stars; one submission).

Conditions:
Congenital sideroblastic anemia-B-cell immunodeficiency-periodic fever-developmental delay syndrome. Also called: Sideroblastic anemia with B-cell immunodeficiency, periodic fevers, and developmental delay. Identifiers: Orphanet 369861, MedGen C4015172, MONDO:0014487, OMIM 616084.

Allele frequency attached by ClinVar (database versions not stated): gnomAD exomes below 0.00001 and 0.00001.

Submission:

Labcorp Genetics (formerly Invitae), Labcorp
Classification: Pathogenic for Congenital sideroblastic anemia-B-cell immunodeficiency-periodic fever-developmental delay syndrome. Last evaluated: 2020-08-18. Review status: criteria provided, single submitter. Criteria: Invitae Variant Classification Sherloc (09022015). Collection method: clinical testing. Allele origin: germline.
Comment: This sequence change creates a premature translational stop signal (p.Ala148Glyfs*16) in the TRNT1 gene. It is expected to result in an absent or disrupted protein product. This variant is not present in population databases (ExAC no frequency). This variant has not been reported in the literature in individuals with TRNT1-related conditions. Loss-of-function variants in TRNT1 are known to be pathogenic (PMID: 25193871). For these reasons, this variant has been classified as Pathogenic.

Literature cited by the submitters: PubMed 25193871.

NM_182916.3(TRNT1):c.442dup (p.Ala148fs)

Gene: TRNT1 (tRNA nucleotidyl transferase 1; plus strand). Cytogenetic location: 3p26.2.
Variant type: Duplication.
Coding change: c.442dup on transcript NM_182916.3 (MANE Select); coding-DNA position 442, one base duplicated (G; older notation c.442dupG).
Protein change: p.Ala148fs; shifts the reading frame from alanine 148.
Molecular consequence: frameshift variant. On other transcripts: non-coding transcript variant (6).
Genome position (GRCh38, 1-based): chr3:3,140,609, G duplicated. VCF-style (leftmost placement, unchanged base first): chr3-3140608-T-TG. GRCh37 (hg19) VCF-style: chr3-3182292-T-TG.
Other names: c.442dup, p.Ala148fs (NM_001302946.2, NM_001367321.1, NM_001367322.1 and 1 more transcripts); short protein forms A148fs.
Identifiers: ClinVar variation 1070580 (VCV001070580.5), dbSNP rs1410048027, ClinGen allele CA540771700.
Genomic context (GRCh38, chr3:3,140,608, plus strand): 5'-TGATGTCACCACTGATGGAAGACATGCTGAGGTAGAATTTACAACTGACTGGCAGAAAGA[T>TG]GCGGAACGCAGAGATCTCACTATAAATTCTATGTTTTTAGGTAATATTTGCAGATAAAAC-3'